The following is an entry in ClinVar:

NM_001148.6(ANK2):c.11509G>C (p.Glu3837Gln)

Gene: ANK2 (ankyrin 2; plus strand). Cytogenetic location: 4q26.
Variant type: single nucleotide variant.
Coding change: c.11509G>C on transcript NM_001148.6 (MANE Select); coding-DNA position 11509, G replaced by C.
Protein change: p.Glu3837Gln; replaces glutamic acid 3837 with glutamine.
Molecular consequence: missense variant.
Genome position (GRCh38, 1-based): chr4:113,369,704, G>C. VCF-style: chr4-113369704-G-C. GRCh37 (hg19) VCF-style: chr4-114290860-G-C.
Other names: c.5227G>C, p.Glu1743Gln (NM_001127493.3); c.5266G>C, p.Glu1756Gln (NM_001354225.2); c.5155G>C, p.Glu1719Gln (NM_001354228.2, NM_001354258.2); c.5233G>C, p.Glu1745Gln (NM_001354230.2); c.5296G>C, p.Glu1766Gln (NM_001354231.2, NM_001354242.2); c.5290G>C, p.Glu1764Gln (NM_001354232.2); c.5251G>C, p.Glu1751Gln (NM_001354235.2, NM_001354246.2, NM_001354265.2); c.5152G>C, p.Glu1718Gln (NM_001354236.2); and 35 more; short protein forms E1743Q, E3837Q, E1665Q, E1705Q, E1719Q, E1730Q, E1751Q, E1756Q.
Identifiers: ClinVar variation 2459767 (VCV002459767.2), dbSNP rs766615247, ClinGen allele CA300973.
Genomic context (GRCh38, chr4:113,369,704, plus strand): 5'-TCCAGCGAGCGGGGAGGCTCTCCCATCATACAAGAACCCGAAGAGCCCTCAGAGCACAGA[G>C]AGGAGAGCTCTCCGCGGAAAACCAGCCTCGTAATAGTGGAGTCTGCCGATAACCAGCCTG-3'
Protein context (NP_001139.3, residues 3827-3847): QEPEEPSEHR[Glu3837Gln]ESSPRKTSLV

ClinVar aggregate classification (germline): Uncertain significance (1 of 4 stars; one submission).

Conditions:
Cardiovascular phenotype. Identifiers: MedGen CN230736.

gnomAD v4.1: 5 of 1,614,004 alleles (0.00031%); highest among the groups gnomAD compares: Admixed American, 0.0017%; no homozygotes.

Submission:

Ambry Genetics
Classification: Uncertain significance for Cardiovascular phenotype. Last evaluated: 2023-01-01. Review status: criteria provided, single submitter. Criteria: Ambry Variant Classification Scheme 2023. Collection method: clinical testing. Allele origin: germline.
Comment: The p.E3837Q variant (also known as c.11509G>C), located in coding exon 43 of the ANK2 gene, results from a G to C substitution at nucleotide position 11509. The glutamic acid at codon 3837 is replaced by glutamine, an amino acid with highly similar properties. This amino acid position is conserved. In addition, the in silico prediction for this alteration is inconclusive. Since supporting evidence is limited at this time, the clinical significance of this alteration remains unclear.